The following is an entry in ClinVar:

NM_004168.4(SDHA):c.-4A>C

Gene: SDHA (succinate dehydrogenase complex flavoprotein subunit A; plus strand). Cytogenetic location: 5p15.33.
Variant type: single nucleotide variant.
Coding change: c.-4A>C on transcript NM_004168.4 (MANE Select); 4 bases upstream of the start codon, A replaced by C.
Molecular consequence: 5 prime UTR variant.
Genome position (GRCh38, 1-based): chr5:218,352, A>C. VCF-style: chr5-218352-A-C. GRCh37 (hg19) VCF-style: chr5-218467-A-C.
Other names: c.-4A>C (NM_001294332.2, NM_001330758.2).
Identifiers: ClinVar variation 1744677 (VCV001744677.3), dbSNP rs377134185, ClinGen allele CA1072363355.

ClinVar aggregate classification (germline): Uncertain significance (1 of 4 stars; one submission).

Conditions:
Hereditary cancer-predisposing syndrome. Also called: Hereditary Cancer Syndrome; Neoplastic Syndromes, Hereditary; Tumor predisposition; Hereditary neoplastic syndrome. Identifiers: Orphanet 140162, MedGen C0027672, MeSH D009386, MONDO:0015356.

gnomAD v4.1: 2 of 1,458,530 alleles (0.00014%); highest among the groups gnomAD compares: Admixed American, 0.0025%; no homozygotes.

Submission:

Ambry Genetics
Classification: Uncertain significance for Hereditary cancer-predisposing syndrome. Last evaluated: 2025-03-06. Review status: criteria provided, single submitter. Criteria: Ambry Variant Classification Scheme 2023. Collection method: clinical testing. Allele origin: germline.
Comment: The c.-4A>C variant is located in the 5' untranslated region (5&rsquo; UTR) of the SDHA gene. This variant results from an A to C substitution 4 bases upstream from the first translated codon. This nucleotide position is not well conserved in available vertebrate species. Since supporting evidence is limited at this time, the clinical significance of this alteration remains unclear.